The following is an entry in ClinVar:

NM_000465.4(BARD1):c.738A>G (p.Pro246=)

Gene: BARD1 (BRCA1 associated RING domain 1; minus strand). Cytogenetic location: 2q35.
Variant type: single nucleotide variant.
Coding change: c.738A>G on transcript NM_000465.4 (MANE Select); coding-DNA position 738, A replaced by G.
Protein change: p.Pro246=; no amino-acid change (proline 246 retained).
Molecular consequence: synonymous variant. On other transcripts: non-coding transcript variant (2), intron variant (3).
Genome position (GRCh38, 1-based): chr2:214,781,136, T>C on the plus strand (A>G on the coding strand, the complement: BARD1 is on the minus strand). VCF-style: chr2-214781136-T-C. GRCh37 (hg19) VCF-style: chr2-215645860-T-C.
Other names: p.P246P:CCA>CCG; c.681A>G, p.Pro227= (NM_001282543.2); c.158+28276A>G (NM_001282548.2); c.215+15925A>G (NM_001282545.2); c.364+11161A>G (NM_001282549.2).
Identifiers: ClinVar variation 136498 (VCV000136498.30), dbSNP rs587780859, ClinGen allele CA333054.
Genomic context (GRCh38, chr2:214,781,136, plus strand): 5'-CAAGGAGCCACTTGCTAGTAAGTCTATTTCACCATTTATCTGAGGACTGGAGATAACAGA[T>C]GGTTGGCTACAGAAGGATACCAGCTTTTGCTTAGATTCCTCTTTGGAGTCAAATTCACCA-3'
Protein context (NP_000456.2, residues 236-256): KQKLVSFCSQ[Pro246=]SVISSPQING

ClinVar aggregate classification (germline): Benign/Likely benign. Review status: criteria provided, multiple submitters, no conflicts (2 of 4 stars). 11 submissions from 11 submitters: Benign (2); Likely benign (8). 1 of the submissions does not count toward it. Last evaluated 2026-01-28.

Conditions:
BARD1-related disorder. Also called: BARD1-related condition.
BARD1-related cancer predisposition. Identifiers: MedGen CN377756, MONDO:0700267.
Hereditary cancer-predisposing syndrome. Also called: Neoplastic Syndromes, Hereditary; Hereditary Cancer Syndrome; Tumor predisposition; Hereditary neoplastic syndrome. Identifiers: Orphanet 140162, MedGen C0027672, MeSH D009386, MONDO:0015356.
Familial cancer of breast. Also called: Hereditary breast cancer; BREAST CANCER, FAMILIAL; hereditary breast carcinoma. Identifiers: Orphanet 227535, MedGen C0346153, MONDO:0016419, OMIM 114480. Disease mechanism: loss of function.

Allele frequency attached by ClinVar (database versions not stated): TOPMed 0.00004; gnomAD 0.00005; gnomAD exomes 0.00008 and 0.00014; ExAC 0.00010.
gnomAD v4.1: 201 of 1,574,788 alleles (0.013%); highest among the groups gnomAD compares: Non-Finnish European, 0.017%; no homozygotes.

Submissions (11):

Labcorp Genetics (formerly Invitae), Labcorp
Classification: Likely benign for Familial cancer of breast. Last evaluated: 2026-01-28. Review status: criteria provided, single submitter. Criteria: Invitae Variant Classification Sherloc (09022015). Collection method: clinical testing. Allele origin: germline.

Center for Genomic Medicine, Rigshospitalet, Copenhagen University Hospital
Classification: Likely benign. Last evaluated: 2025-03-04. Review status: criteria provided, single submitter. Criteria: ACMG Guidelines, 2015. Collection method: clinical testing. Allele origin: germline.

Myriad Genetics, Inc.
Classification: Benign for Familial cancer of breast. Last evaluated: 2024-07-22. Review status: criteria provided, single submitter. Criteria: Myriad Autosomal Dominant, Autosomal Recessive and X-Linked Classification Criteria (2023). Collection method: clinical testing. Allele origin: unknown.
Comment: This variant is considered benign. This variant is a silent/synonymous amino acid change and it is not expected to impact splicing.

Department of Pathology and Laboratory Medicine, Sinai Health System
Classification: Likely benign for BARD1-related cancer predisposition. Last evaluated: 2021-12-15. Review status: criteria provided, single submitter. Criteria: ACMG Guidelines, 2015. Collection method: clinical testing. Allele origin: germline. Affected: yes.

Sema4
Classification: Likely benign for Hereditary cancer-predisposing syndrome. Last evaluated: 2020-09-17. Review status: criteria provided, single submitter. Criteria: Sema4 Curation Guidelines. Collection method: curation. Allele origin: germline.

Women's Health and Genetics/Laboratory Corporation of America, LabCorp
Classification: Likely benign. Last evaluated: 2019-08-21. Review status: criteria provided, single submitter. Criteria: LabCorp Variant Classification Summary - May 2015. Collection method: clinical testing. Allele origin: germline.

Quest Diagnostics Nichols Institute San Juan Capistrano
Classification: Likely benign. Last evaluated: 2018-07-13. Review status: criteria provided, single submitter. Criteria: Quest Diagnostics criteria. Collection method: clinical testing. Allele origin: germline.

Color Diagnostics, LLC DBA Color Health
Classification: Likely benign for Hereditary cancer-predisposing syndrome. Last evaluated: 2016-07-11. Review status: criteria provided, single submitter. Criteria: ACMG Guidelines, 2015. Collection method: clinical testing. Allele origin: germline.

Ambry Genetics
Classification: Likely benign for Hereditary cancer-predisposing syndrome. Last evaluated: 2014-06-19. Review status: criteria provided, single submitter. Criteria: Ambry Variant Classification Scheme 2023. Collection method: clinical testing. Allele origin: germline.

GeneDx
Classification: Benign. Last evaluated: 2014-05-09. Review status: criteria provided, single submitter. Criteria: GeneDx Variant Classification (06012015). Collection method: clinical testing. Allele origin: germline. Affected: yes.
Comment: This variant is considered likely benign or benign based on one or more of the following criteria: it is a conservative change, it occurs at a poorly conserved position in the protein, it is predicted to be benign by multiple in silico algorithms, and/or has population frequency not consistent with disease.

PreventionGenetics, part of Exact Sciences
Classification: Likely benign for BARD1-related condition. Last evaluated: 2019-12-03. Review status: no assertion criteria provided. Collection method: clinical testing. Allele origin: germline. Not counted in ClinVar's aggregate classification.
Comment: This variant is classified as likely benign based on ACMG/AMP sequence variant interpretation guidelines (Richards et al. 2015 PMID: 25741868, with internal and published modifications).